The following is an entry in ClinVar:

NM_001123385.2(BCOR):c.928A>G (p.Ser310Gly)

Genes: BCOR (BCL6 corepressor; minus strand), LOC126863239 (MED14-independent group 3 enhancer GRCh37_chrX:39932994-39934193; plus strand). Cytogenetic location: Xp11.4.
Variant type: single nucleotide variant.
Coding change: c.928A>G on transcript NM_001123385.2 (MANE Select); coding-DNA position 928, A replaced by G.
Protein change: p.Ser310Gly; replaces serine 310 with glycine.
Molecular consequence: missense variant.
Genome position (GRCh38, 1-based): chrX:40,074,418, T>C on the plus strand (A>G on the coding strand, the complement: BCOR is on the minus strand). VCF-style: chrX-40074418-T-C. GRCh37 (hg19) VCF-style: chrX-39933671-T-C.
Other names: c.928A>G, p.Ser310Gly (NM_001123383.2, NM_001123384.2, NM_017745.6); short protein forms S310G.
Identifiers: ClinVar variation 3372360 (VCV003372360.1).

ClinVar aggregate classification (germline): Uncertain significance (1 of 4 stars; one submission).

Submission:

GeneDx
Classification: Uncertain significance. Last evaluated: 2024-04-29. Review status: criteria provided, single submitter. Criteria: GeneDx Variant Classification Process June 2021. Collection method: clinical testing. Allele origin: germline. Affected: yes.
Comment: Not observed at significant frequency in large population cohorts (gnomAD); In silico analysis supports that this missense variant does not alter protein structure/function; Has not been previously published as pathogenic or benign to our knowledge